The following is an entry in ClinVar:

ClinVar aggregate classification (germline): Uncertain significance (1 of 4 stars; one submission).

Conditions:
Diamond-Blackfan anemia. Also called: Blackfan Diamond syndrome; Aregenerative anemia chronic congenital; Red cell aplasia, pure hereditary; Congenital hypoplastic anemia; Aase syndrome. Identifiers: Orphanet 124, MedGen C1260899, MeSH D029503, MONDO:0015253, HP:0004810.

Allele frequency attached by ClinVar (database versions not stated): gnomAD exomes below 0.00001.
gnomAD v4.1: 4 of 1,608,668 alleles (0.00025%); highest among the groups gnomAD compares: South Asian, 0.0011%; no homozygotes.

Submission:

Labcorp Genetics (formerly Invitae), Labcorp
Classification: Uncertain significance for Diamond-Blackfan anemia. Last evaluated: 2022-06-13. Review status: criteria provided, single submitter. Criteria: Invitae Variant Classification Sherloc (09022015). Collection method: clinical testing. Allele origin: germline.
Comment: Algorithms developed to predict the effect of missense changes on protein structure and function (SIFT, PolyPhen-2, Align-GVGD) all suggest that this variant is likely to be tolerated. In summary, the available evidence is currently insufficient to determine the role of this variant in disease. Therefore, it has been classified as a Variant of Uncertain Significance. This variant has not been reported in the literature in individuals affected with RPL26-related conditions. This variant is not present in population databases (gnomAD no frequency). This sequence change replaces valine, which is neutral and non-polar, with isoleucine, which is neutral and non-polar, at codon 128 of the RPL26 protein (p.Val128Ile).

NM_000987.5(RPL26):c.382G>A (p.Val128Ile)

Gene: RPL26 (ribosomal protein L26; minus strand). Cytogenetic location: 17p13.1.
Variant type: single nucleotide variant.
Coding change: c.382G>A on transcript NM_000987.5 (MANE Select); coding-DNA position 382, G replaced by A.
Protein change: p.Val128Ile; replaces valine 128 with isoleucine.
Molecular consequence: missense variant.
Genome position (GRCh38, 1-based): chr17:8,377,620, C>T on the plus strand (G>A on the coding strand, the complement: RPL26 is on the minus strand). VCF-style: chr17-8377620-C-T. GRCh37 (hg19) VCF-style: chr17-8280938-C-T.
Other names: c.382G>A, p.Val128Ile (NM_001315530.2, NM_001315531.2); short protein forms V128I.
Identifiers: ClinVar variation 2162397 (VCV002162397.4), dbSNP rs2544002836, ClinGen allele CA398012520.